The following is an entry in ClinVar:

ClinVar aggregate classification (germline): Pathogenic (1 of 4 stars; one submission).

Conditions:
Wilson disease (WND). Also called: Wilson's disease. Identifiers: Orphanet 905, MedGen C0019202, MONDO:0010200, OMIM 277900. Disease mechanism: loss of function.

Submission:

Labcorp Genetics (formerly Invitae), Labcorp
Classification: Pathogenic for Wilson disease. Last evaluated: 2022-03-21. Review status: criteria provided, single submitter. Criteria: Invitae Variant Classification Sherloc (09022015). Collection method: clinical testing. Allele origin: germline.
Comment: For these reasons, this variant has been classified as Pathogenic. Algorithms developed to predict the effect of sequence changes on RNA splicing suggest that this variant may disrupt the consensus splice site. This variant has not been reported in the literature in individuals affected with ATP7B-related conditions. This variant is not present in population databases (gnomAD no frequency). This sequence change creates a premature translational stop signal (p.Glu860*) in the ATP7B gene. It is expected to result in an absent or disrupted protein product. Loss-of-function variants in ATP7B are known to be pathogenic (PMID: 10441329, 16283883).

Literature cited by the submitters: PubMed 10441329; PubMed 16283883.

NM_000053.4(ATP7B):c.2578G>T (p.Glu860Ter)

Gene: ATP7B (ATPase copper transporting beta; minus strand). Cytogenetic location: 13q14.3.
Variant type: single nucleotide variant.
Coding change: c.2578G>T on transcript NM_000053.4 (MANE Select); coding-DNA position 2578, G replaced by T.
Protein change: p.Glu860Ter; replaces glutamic acid 860 with a stop codon.
Molecular consequence: nonsense.
Genome position (GRCh38, 1-based): chr13:51,950,159, C>A on the plus strand (G>T on the coding strand, the complement: ATP7B is on the minus strand). VCF-style: chr13-51950159-C-A. GRCh37 (hg19) VCF-style: chr13-52524295-C-A.
Other names: c.2578G>T, p.Glu860Ter (NM_001406513.1, NM_001406515.1, NM_001406516.1 and 7 more transcripts); c.2545G>T, p.Glu849Ter (NM_001406514.1); c.2482G>T, p.Glu828Ter (NM_001406517.1, NM_001406518.1); c.2434G>T, p.Glu812Ter (NM_001406520.1, NM_001406521.1, NM_001406522.1 and 1 more transcripts); c.2344G>T, p.Glu782Ter (NM_001406534.1, NM_001406538.1, NM_001330578.2 and 2 more transcripts); c.2248G>T, p.Glu750Ter (NM_001406536.1); c.2149G>T, p.Glu717Ter (NM_001406539.1); c.2326G>T, p.Glu776Ter (NM_001406540.1, NM_001330579.2, NM_001406531.1 and 1 more transcripts); and 8 more; short protein forms E430*, E744*, E782*, E644*, E666*, E749*, E750*, E776*.
Identifiers: ClinVar variation 2115699 (VCV002115699.4), dbSNP rs750154146, ClinGen allele CA388015426.
Genomic context (GRCh38, chr13:51,950,159, plus strand): 5'-GTGCATTTATAGACCCCGCAATTACAGTGCTTCCGGGTTTCTTAGTGACTGGCATGGCTT[C>A]TCCTAGACGTAGGAAAGAGACAACTGTCACTTGCTCAGCCCCATCCAGCACTCATGTGAC-3'